The following is an entry in ClinVar:

NM_001040716.2(PC):c.2982_2983insAC (p.Val995fs)

Gene: PC (pyruvate carboxylase; minus strand). Cytogenetic location: 11q13.2.
Variant type: Insertion.
Coding change: c.2982_2983insAC on transcript NM_001040716.2 (MANE Select); coding-DNA positions 2982 to 2983, AC inserted.
Protein change: p.Val995fs; shifts the reading frame from valine 995.
Molecular consequence: frameshift variant.
Genome position: GRCh38 VCF-style: chr11-66849775-C-CGT. GRCh37 (hg19) VCF-style: chr11-66617246-C-CGT.
Other names: c.2982_2983insAC, p.Val995fs (NM_000920.4, NM_001439352.1, NM_001439353.1 and 5 more transcripts); short protein forms V995fs.
Identifiers: ClinVar variation 5013069 (VCV005013069.1).

ClinVar aggregate classification (germline): Pathogenic (1 of 4 stars; one submission).

Conditions:
Pyruvate carboxylase deficiency. Also called: ATAXIA WITH LACTIC ACIDOSIS II; LEIGH NECROTIZING ENCEPHALOPATHY DUE TO PYRUVATE CARBOXYLASE DEFICIENCY; LEIGH SYNDROME DUE TO PYRUVATE CARBOXYLASE DEFICIENCY; PC DEFICIENCY; Pyruvate Carboxylase Deficiency Disease. Identifiers: Orphanet 3008, MedGen C0034341, MONDO:0009949, OMIM 266150.

Submission:

Myriad Genetics, Inc.
Classification: Pathogenic for Pyruvate carboxylase deficiency. Last evaluated: 2024-05-18. Review status: criteria provided, single submitter. Criteria: Myriad Autosomal Dominant, Autosomal Recessive and X-Linked Classification Criteria (2023). Collection method: clinical testing. Allele origin: unknown.
Comment: NM_000920.3(PC):c.2982_2983insAC(V995Tfs*2) is expected to be pathogenic in the context of pyruvate carboxylase deficiency. This variant is predicted to lead to an abnormal or absent protein product due to the creation of a premature termination codon in PC, a gene where loss-of-function variants are known to be pathogenic. Please note: this variant was assessed in the context of healthy population screening.